The following is an entry in ClinVar:

NM_002382.5(MAX):c.406G>A (p.Gly136Arg)

Gene: MAX (MYC associated transcriptional regulator X; minus strand). Cytogenetic location: 14q23.3.
Variant type: single nucleotide variant.
Coding change: c.406G>A on transcript NM_002382.5 (MANE Select); coding-DNA position 406, G replaced by A.
Protein change: p.Gly136Arg; replaces glycine 136 with arginine.
Molecular consequence: missense variant. On other transcripts: 3 prime UTR variant (1), intron variant (2).
Genome position (GRCh38, 1-based): chr14:65,076,553, C>T on the plus strand (G>A on the coding strand, the complement: MAX is on the minus strand). VCF-style: chr14-65076553-C-T. GRCh37 (hg19) VCF-style: chr14-65543271-C-T.
Other names: c.*195G>A (NM_001407097.1, NM_001407100.1, NM_001407101.1 and 4 more transcripts); c.298G>A, p.Gly100Arg (NM_001407098.1); c.*179G>A (NM_001407099.1, NM_001407102.1, NM_001407104.1 and 2 more transcripts); c.217G>A, p.Gly73Arg (NM_001407105.1, NM_001407106.1, NM_001407107.1 and 1 more transcripts); c.205G>A, p.Gly69Arg (NM_001407111.1, NM_001407112.1); c.379G>A, p.Gly127Arg (NM_145112.3, NM_001407095.1); c.144+17155G>A (NM_001271069.2); c.171+17155G>A (NM_197957.4); and 1 more; short protein forms G136R, G127R, G73R, G100R, G69R.
Identifiers: ClinVar variation 463810 (VCV000463810.21), dbSNP rs140490467, ClinGen allele CA7232795.

ClinVar aggregate classification (germline): Conflicting classifications of pathogenicity. Review status: criteria provided, conflicting classifications (1 of 4 stars). 4 submissions from 4 submitters: Uncertain significance (1); Likely benign (3). Last evaluated 2026-01-28.

Conditions:
Hereditary cancer-predisposing syndrome. Also called: Neoplastic Syndromes, Hereditary; Hereditary neoplastic syndrome; Tumor predisposition; Hereditary Cancer Syndrome. Identifiers: Orphanet 140162, MedGen C0027672, MeSH D009386, MONDO:0015356.
Hereditary pheochromocytoma and paraganglioma. Also called: Hereditary Paraganglioma-Pheochromocytoma Syndromes; Hereditary paragangliomas and pheochromocytomas; Hereditary pheochromocytoma-paraganglioma. Identifiers: Orphanet 29072, MedGen C4274332, MONDO:0017366.
Pheochromocytoma. Also called: MAX-Related Hereditary Paraganglioma-Pheochromocytoma Syndrome. Identifiers: Orphanet 29072, MedGen C0031511, MONDO:0008233, OMIM 171300, HP:0002666.

Allele frequency attached by ClinVar (database versions not stated): gnomAD exomes 0.00010; ExAC 0.00015; TOPMed 0.00015; gnomAD 0.00019; ESP Exome Variant Server 0.00031; 1000 Genomes Project 0.00080; 1000 Genomes Project 30x 0.00109.

Submissions (4):

Labcorp Genetics (formerly Invitae), Labcorp
Classification: Likely benign for Hereditary pheochromocytoma and paraganglioma. Last evaluated: 2026-01-28. Review status: criteria provided, single submitter. Criteria: Invitae Variant Classification Sherloc (09022015). Collection method: clinical testing. Allele origin: germline.

GeneDx
Classification: Uncertain significance. Last evaluated: 2024-10-21. Review status: criteria provided, single submitter. Criteria: GeneDx Variant Classification Process June 2021. Collection method: clinical testing. Allele origin: germline. Affected: yes.
Comment: In silico analysis supports that this missense variant has a deleterious effect on protein structure/function; Identified in individual(s) with personal or family history of breast and/or ovarian cancer (PMID: 36315513); This variant is associated with the following publications: (PMID: 36315513)

St. Jude Molecular Pathology, St. Jude Children's Research Hospital
Classification: Likely benign for Pheochromocytoma. Last evaluated: 2021-08-19. Review status: criteria provided, single submitter. Criteria: St. Jude Assertion Criteria 2020. Collection method: clinical testing. Allele origin: germline.
Comment: The MAX c.406G>A (p.Gly136Arg) missense change has a maximum subpopulation frequency of 0.096% in gnomAD v2.1.1 (BS1). This is higher than expected for a pathogenic variant predisposing to hereditary paraganglioma-pheochromocytoma syndrome (PMID: 20301715). In silico tools are not in agreement about the effect of this variant on protein function, but to our knowledge these predictions have not been confirmed by functional assays. To our knowledge, this variant has not been reported in individuals with paraganglioma or pheochromocytoma. In summary, this variant meets criteria to be classified as likely benign based on the ACMG/AMP criteria: BS1.

Ambry Genetics
Classification: Likely benign for Hereditary cancer-predisposing syndrome. Last evaluated: 2019-03-21. Review status: criteria provided, single submitter. Criteria: Ambry Variant Classification Scheme 2023. Collection method: clinical testing. Allele origin: germline.